The following is an entry in ClinVar:

NM_001293298.2(CEMIP):c.2520C>T (p.Gly840=)

Genes: CEMIP (cell migration inducing hyaluronidase 1; plus strand), LOC126862194 (BRD4-independent group 4 enhancer GRCh37_chr15:81221049-81222248; plus strand). Cytogenetic location: 15q25.1.
Variant type: single nucleotide variant.
Coding change: c.2520C>T on transcript NM_001293298.2 (MANE Select); coding-DNA position 2520, C replaced by T.
Protein change: p.Gly840=; no amino-acid change (glycine 840 retained).
Molecular consequence: synonymous variant.
Genome position (GRCh38, 1-based): chr15:80,929,082, C>T. VCF-style: chr15-80929082-C-T. GRCh37 (hg19) VCF-style: chr15-81221423-C-T.
Other names: c.2520C>T, p.Gly840= (NM_001293304.2, NM_018689.3).
Identifiers: ClinVar variation 714557 (VCV000714557.7), dbSNP rs76271429, ClinGen allele CA7693326.

ClinVar aggregate classification (germline): Benign. Review status: criteria provided, multiple submitters, no conflicts (2 of 4 stars). 3 submissions from 3 submitters: Benign (2). 1 of the submissions does not count toward it. Last evaluated 2019-12-31.

Conditions:
CEMIP-related disorder. Also called: CEMIP-related condition.

Allele frequency attached by ClinVar (database versions not stated): ExAC 0.00232; gnomAD exomes 0.00237; 1000 Genomes Project 30x 0.00250; gnomAD 0.00252 and 0.00255; 1000 Genomes Project 0.00260; TOPMed 0.00278; ESP Exome Variant Server 0.00292.
gnomAD v4.1: 4,556 of 1,614,162 alleles (0.28%); highest among the groups gnomAD compares: Non-Finnish European, 0.31%; 14 homozygotes.

Submissions (3):

Labcorp Genetics (formerly Invitae), Labcorp
Classification: Benign. Last evaluated: 2019-12-31. Review status: criteria provided, single submitter. Criteria: Invitae Variant Classification Sherloc (09022015). Collection method: clinical testing. Allele origin: germline.

Breakthrough Genomics
Classification: Benign. Review status: criteria provided, single submitter. Criteria: ACMG Guidelines, 2015. Collection method: not provided. Allele origin: germline. Inheritance: Unknown mechanism. Affected: yes.

PreventionGenetics, part of Exact Sciences
Classification: Benign for CEMIP-related condition. Last evaluated: 2020-01-22. Review status: no assertion criteria provided. Collection method: clinical testing. Allele origin: germline. Not counted in ClinVar's aggregate classification.
Comment: This variant is classified as benign based on ACMG/AMP sequence variant interpretation guidelines (Richards et al. 2015 PMID: 25741868, with internal and published modifications).